The following is an entry in ClinVar:

NM_021098.3(CACNA1H):c.4688A>G (p.Gln1563Arg)

Gene: CACNA1H (calcium voltage-gated channel subunit alpha1 H; plus strand). Cytogenetic location: 16p13.3.
Variant type: single nucleotide variant.
Coding change: c.4688A>G on transcript NM_021098.3 (MANE Select); coding-DNA position 4688, A replaced by G.
Protein change: p.Gln1563Arg; replaces glutamine 1563 with arginine.
Molecular consequence: missense variant.
Genome position (GRCh38, 1-based): chr16:1,212,067, A>G. VCF-style: chr16-1212067-A-G. GRCh37 (hg19) VCF-style: chr16-1262067-A-G.
Other names: c.4688A>G, p.Gln1563Arg (NM_001005407.2); short protein forms Q1563R.
Identifiers: ClinVar variation 1345572 (VCV001345572.6), dbSNP rs748978718, ClinGen allele CA7801487.

ClinVar aggregate classification (germline): Uncertain significance (1 of 4 stars; one submission).

Conditions:
Idiopathic generalized epilepsy. Also called: EIG; Generalised epilepsy. Identifiers: MedGen C0270850, MONDO:0005579, OMIM 600669.
Hyperaldosteronism, familial, type IV (HALD4). Also called: FH IV; ALDOSTERONISM, PRIMARY, AND HYPERTENSION. Identifiers: Orphanet 642671, MedGen C4310756, MONDO:0014875, OMIM 617027.

Allele frequency attached by ClinVar (database versions not stated): gnomAD exomes 0.00001; ExAC 0.00002.
gnomAD v4.1: 2 of 1,613,046 alleles (0.00012%); highest among the groups gnomAD compares: Admixed American, 0.0017%; no homozygotes.

Submission:

Labcorp Genetics (formerly Invitae), Labcorp
Classification: Uncertain significance for Idiopathic generalized epilepsy; Hyperaldosteronism, familial, type IV. Last evaluated: 2023-10-03. Review status: criteria provided, single submitter. Criteria: Invitae Variant Classification Sherloc (09022015). Collection method: clinical testing. Allele origin: germline.
Comment: This sequence change replaces glutamine, which is neutral and polar, with arginine, which is basic and polar, at codon 1563 of the CACNA1H protein (p.Gln1563Arg). This variant is present in population databases (rs748978718, gnomAD 0.006%). This variant has not been reported in the literature in individuals affected with CACNA1H-related conditions. ClinVar contains an entry for this variant (Variation ID: 1345572). Advanced modeling of protein sequence and biophysical properties (such as structural, functional, and spatial information, amino acid conservation, physicochemical variation, residue mobility, and thermodynamic stability) performed at Invitae indicates that this missense variant is not expected to disrupt CACNA1H protein function. In summary, the available evidence is currently insufficient to determine the role of this variant in disease. Therefore, it has been classified as a Variant of Uncertain Significance.